The following is an entry in ClinVar:

ClinVar aggregate classification (germline): Uncertain significance. Review status: criteria provided, multiple submitters, no conflicts (2 of 4 stars). 2 submissions from 2 submitters: Uncertain significance (2). Last evaluated 2025-09-22.

Conditions:
DK1-congenital disorder of glycosylation. Also called: CONGENITAL DISORDER OF GLYCOSYLATION, TYPE Im; CDG Im; DK1 DEFICIENCY; DOLICHOL KINASE DEFICIENCY; DK1-CDG; DOLK-congenital disorder of glycosylation. Identifiers: Orphanet 91131, MedGen C1835849, MONDO:0012556, OMIM 610768.

Submissions (2):

Labcorp Genetics (formerly Invitae), Labcorp
Classification: Uncertain significance for DK1-congenital disorder of glycosylation. Last evaluated: 2025-09-22. Review status: criteria provided, single submitter. Criteria: Invitae Variant Classification Sherloc (09022015). Collection method: clinical testing. Allele origin: germline.
Comment: This sequence change replaces tryptophan, which is neutral and slightly polar, with arginine, which is basic and polar, at codon 44 of the DOLK protein (p.Trp44Arg). This variant is not present in population databases (gnomAD no frequency). This variant has not been reported in the literature in individuals affected with DOLK-related conditions. ClinVar contains an entry for this variant (Variation ID: 392066). An algorithm developed to predict the effect of missense changes on protein structure and function (PolyPhen-2) suggests that this variant is likely to be disruptive. In summary, the available evidence is currently insufficient to determine the role of this variant in disease. Therefore, it has been classified as a Variant of Uncertain Significance.

GeneDx
Classification: Uncertain significance. Last evaluated: 2016-12-22. Review status: criteria provided, single submitter. Criteria: GeneDx Variant Classification (06012015). Collection method: clinical testing. Allele origin: germline. Affected: yes.
Comment: A variant of uncertain significance has been identified in the DOLK gene. The W44R variant has not been published as a pathogenic variant, nor has it been reported as a benign variant to our knowledge. The W44R variant was not observed in approximately 6,500 individuals of European and African American ancestry in the NHLBI Exome Sequencing Project. Additionally, W44R is a non-conservative amino acid substitution, which is likely to impact secondary protein structure as these residues differ in polarity, charge, size and/or other properties. In silico analysis predicts this variant is probably damaging to the protein structure/function. However, while this substitution occurs at a position that is conserved across species, Arginine is the wild-type residue at this position in at least one non-mammalian species.Therefore, based on the currently available information, it is unclear whether this variant is pathogenic or rare benign.

NM_014908.4(DOLK):c.130T>C (p.Trp44Arg)

Gene: DOLK (dolichol kinase; minus strand). Cytogenetic location: 9q34.11.
Variant type: single nucleotide variant.
Coding change: c.130T>C on transcript NM_014908.4 (MANE Select); coding-DNA position 130, T replaced by C.
Protein change: p.Trp44Arg; replaces tryptophan 44 with arginine.
Molecular consequence: missense variant.
Genome position (GRCh38, 1-based): chr9:128,947,174, A>G on the plus strand (T>C on the coding strand, the complement: DOLK is on the minus strand). VCF-style: chr9-128947174-A-G. GRCh37 (hg19) VCF-style: chr9-131709453-A-G.
Other names: short protein forms W44R.
Identifiers: ClinVar variation 392066 (VCV000392066.3), dbSNP rs1057524345, ClinGen allele CA16605626.